The following is an entry in ClinVar:

ClinVar aggregate classification (germline): Benign. Review status: criteria provided, single submitter (1 of 4 stars). 2 submissions from 2 submitters: Benign (1). 1 of the submissions does not count toward it. Last evaluated 2026-02-02.

Conditions:
JAK1-related disorder. Also called: JAK1-related condition.

Allele frequency attached by ClinVar (database versions not stated): gnomAD exomes 0.00057 and 0.00160; ExAC 0.00207; 1000 Genomes Project 0.00559; 1000 Genomes Project 30x 0.00578; gnomAD 0.00631 and 0.00677; ESP Exome Variant Server 0.00667; TOPMed 0.00714.
gnomAD v4.1: 1,817 of 1,612,692 alleles (0.11%); highest among the groups gnomAD compares: African/African-American, 2.2%; 21 homozygotes.

Submissions (2):

Labcorp Genetics (formerly Invitae), Labcorp
Classification: Benign. Last evaluated: 2026-02-02. Review status: criteria provided, single submitter. Criteria: Invitae Variant Classification Sherloc (09022015). Collection method: clinical testing. Allele origin: germline.

PreventionGenetics, part of Exact Sciences
Classification: Benign for JAK1-related condition. Last evaluated: 2024-02-10. Review status: no assertion criteria provided. Collection method: clinical testing. Allele origin: germline. Not counted in ClinVar's aggregate classification.
Comment: This variant is classified as benign based on ACMG/AMP sequence variant interpretation guidelines (Richards et al. 2015 PMID: 25741868, with internal and published modifications).

NM_002227.4(JAK1):c.647+7C>T

Gene: JAK1 (Janus kinase 1; minus strand). Cytogenetic location: 1p31.3.
Variant type: single nucleotide variant.
Coding change: c.647+7C>T on transcript NM_002227.4 (MANE Select); 7 bases into the intron after coding-DNA position 647, C replaced by T.
Molecular consequence: intron variant.
Genome position (GRCh38, 1-based): chr1:64,869,304, G>A on the plus strand (C>T on the coding strand, the complement: JAK1 is on the minus strand). VCF-style: chr1-64869304-G-A. GRCh37 (hg19) VCF-style: chr1-65334987-G-A.
Other names: c.647+7C>T (NM_001321852.2, NM_001321854.2, NM_001321853.2 and 5 more transcripts).
Identifiers: ClinVar variation 711961 (VCV000711961.13), dbSNP rs145378558, ClinGen allele CA893124.
Genomic context (GRCh38, chr1:64,869,304, plus strand): 5'-ATGTGTAAGAACATGTAGAAACACCACCATCCTCACAATCAATTCTTCAGCCAGTGGGAA[G>A]CTTTACCTGATGTCCTTGGGCAGTTCTGGCAACTGCATCTTCTTCATCATGGCATAGTGT-3'